The following is an entry in ClinVar:

NM_198576.4(AGRN):c.1380G>C (p.Pro460=)

Gene: AGRN (agrin; plus strand). Cytogenetic location: 1p36.33.
Variant type: single nucleotide variant.
Coding change: c.1380G>C on transcript NM_198576.4 (MANE Select); coding-DNA position 1380, G replaced by C.
Protein change: p.Pro460=; no amino-acid change (proline 460 retained).
Molecular consequence: synonymous variant.
Genome position (GRCh38, 1-based): chr1:1,042,158, G>C. VCF-style: chr1-1042158-G-C. GRCh37 (hg19) VCF-style: chr1-977538-G-C.
Other names: c.1380G>C, p.Pro460= (NM_001305275.2); c.1065G>C, p.Pro355= (NM_001364727.2).
Identifiers: ClinVar variation 2053034 (VCV002053034.10), dbSNP rs753038414, ClinGen allele CA16752516.

ClinVar aggregate classification (germline): Likely benign. Review status: criteria provided, multiple submitters, no conflicts (2 of 4 stars). 2 submissions from 2 submitters: Likely benign (2). Last evaluated 2025-11-01.

Conditions:
Congenital myasthenic syndrome 8. Also called: Myasthenic syndrome, congenital, 8, with pre- and postsynaptic defects; MYASTHENIC SYNDROME, CONGENITAL, DUE TO AGRIN DEFICIENCY. Identifiers: Orphanet 590, MedGen C3808739, MONDO:0014052, OMIM 615120.

gnomAD v4.1: 12 of 1,593,926 alleles (0.00075%); highest among the groups gnomAD compares: Non-Finnish European, 0.00094%; no homozygotes.

Submissions (2):

CeGaT Center for Human Genetics Tuebingen
Classification: Likely benign. Last evaluated: 2025-11-01. Review status: criteria provided, single submitter. Criteria: CeGaT Center For Human Genetics Tuebingen Variant Classification Criteria Version 2. Collection method: clinical testing. Allele origin: germline. Affected: yes. Observed: 1 variant allele.
Comment: AGRN: BP4, BP7

Labcorp Genetics (formerly Invitae), Labcorp
Classification: Likely benign for Congenital myasthenic syndrome 8. Last evaluated: 2022-03-15. Review status: criteria provided, single submitter. Criteria: Invitae Variant Classification Sherloc (09022015). Collection method: clinical testing. Allele origin: germline.